The following is an entry in ClinVar:

ClinVar aggregate classification (germline): Uncertain significance (1 of 4 stars; one submission).

Conditions:
SOS2-related disorder. Also called: SOS2-related condition.

Submission:

PreventionGenetics, part of Exact Sciences
Classification: Uncertain significance for SOS2-related condition. Last evaluated: 2026-03-10. Review status: criteria provided, single submitter. Criteria: ACMG Guidelines, 2015. Collection method: clinical testing. Allele origin: germline.
Comment: The SOS2 c.1174T>A variant is predicted to result in the amino acid substitution p.Tyr392Asn. To our knowledge, this variant has not been reported in the literature or in a large population database (gnomAD), indicating this variant is rare. At this time, the clinical significance of this variant is uncertain due to the absence of conclusive functional and genetic evidence.

NM_006939.4(SOS2):c.1174T>A (p.Tyr392Asn)

Gene: SOS2 (SOS Ras/Rho guanine nucleotide exchange factor 2; minus strand). Cytogenetic location: 14q21.3.
Variant type: single nucleotide variant.
Coding change: c.1174T>A on transcript NM_006939.4 (MANE Select); coding-DNA position 1174, T replaced by A.
Protein change: p.Tyr392Asn; replaces tyrosine 392 with asparagine.
Molecular consequence: missense variant.
Genome position (GRCh38, 1-based): chr14:50,161,504, A>T on the plus strand (T>A on the coding strand, the complement: SOS2 is on the minus strand). VCF-style: chr14-50161504-A-T. GRCh37 (hg19) VCF-style: chr14-50628222-A-T.
Other names: c.1075T>A, p.Tyr359Asn (NM_001411020.1); short protein forms Y359N, Y392N.
Identifiers: ClinVar variation 4996704 (VCV004996704.1).